The following is an entry in ClinVar:

NM_001367721.1(CASK):c.1125C>T (p.Phe375=)

Gene: CASK (calcium/calmodulin dependent serine protein kinase; minus strand). Cytogenetic location: Xp11.4.
Variant type: single nucleotide variant.
Coding change: c.1125C>T on transcript NM_001367721.1 (MANE Select); coding-DNA position 1125, C replaced by T.
Protein change: p.Phe375=; no amino-acid change (phenylalanine 375 retained).
Molecular consequence: synonymous variant.
Genome position (GRCh38, 1-based): chrX:41,609,934, G>A on the plus strand (C>T on the coding strand, the complement: CASK is on the minus strand). VCF-style: chrX-41609934-G-A. GRCh37 (hg19) VCF-style: chrX-41469187-G-A.
Other names: p.Phe375=; c.1125C>T, p.Phe375= (NM_001126054.3, NM_003688.4); c.1107C>T, p.Phe369= (NM_001126055.3, NM_001410745.1).
Identifiers: ClinVar variation 210580 (VCV000210580.29), dbSNP rs141790702, ClinGen allele CA206398.
Genomic context (GRCh38, chrX:41,609,934, plus strand): 5'-AAAAGAAGAATAATAAAAAGACAGACTTACATCTAGTAGTGTGTGAAGATGCTGATCCTG[G>A]AAAACACTGTGTAGAAAATCTAGGTCCTTTTCACTGCAGTCTGTAAGCGCATGAATCTCT-3'
Protein context (NP_001354650.1, residues 365-385): EKDLDFLHSV[Phe375=]QDQHLHTLLD

ClinVar aggregate classification (germline): Benign/Likely benign. Review status: criteria provided, multiple submitters, no conflicts (2 of 4 stars). 8 submissions from 8 submitters: Benign (6); Likely benign (1). 1 of the submissions does not count toward it. Last evaluated 2026-02-03.

Conditions:
CASK-related disorder. Also called: CASK-related disorders; CASK-related condition.
Inborn genetic diseases. Identifiers: MedGen C0950123, MeSH D030342.
Intellectual disability, CASK-related, X-linked. Identifiers: MedGen CN043158.

Allele frequency attached by ClinVar (database versions not stated): gnomAD exomes 0.00036 and 0.00111; gnomAD 0.00424 and 0.00395; TOPMed 0.00453; ExAC 0.00144; 1000 Genomes Project 0.00371; 1000 Genomes Project 30x 0.00416; ESP Exome Variant Server 0.00521.
gnomAD v4.1: 857 of 1,206,750 alleles (0.071%); highest among the groups gnomAD compares: African/African-American, 1.3%; 7 homozygotes.

Submissions (8):

Labcorp Genetics (formerly Invitae), Labcorp
Classification: Benign for Intellectual disability, CASK-related, X-linked. Last evaluated: 2026-02-03. Review status: criteria provided, single submitter. Criteria: Invitae Variant Classification Sherloc (09022015). Collection method: clinical testing. Allele origin: germline.

Blueprint Genetics
Classification: Likely benign. Last evaluated: 2024-08-15. Review status: criteria provided, single submitter. Criteria: ACMG Guidelines, 2015. Collection method: clinical testing. Allele origin: germline.

Mayo Clinic Laboratories, Mayo Clinic
Classification: Benign. Last evaluated: 2021-12-28. Review status: criteria provided, single submitter. Criteria: ACMG Guidelines, 2015. Collection method: clinical testing. Allele origin: germline. Observed: 3 variant alleles.
Comment: BS1, BS2, BP4

Athena Diagnostics
Classification: Benign. Last evaluated: 2018-12-28. Review status: criteria provided, single submitter. Criteria: Athena Diagnostics Criteria. Collection method: clinical testing. Allele origin: germline.

GeneDx
Classification: Benign. Last evaluated: 2018-08-23. Review status: criteria provided, single submitter. Criteria: GeneDx Variant Classification Process June 2021. Collection method: clinical testing. Allele origin: germline. Affected: yes.

Genetic Services Laboratory, University of Chicago
Classification: Benign. Last evaluated: 2017-12-21. Review status: criteria provided, single submitter. Criteria: ACMG Guidelines, 2015. Collection method: clinical testing. Allele origin: germline. Affected: no.

Ambry Genetics
Classification: Benign for Inborn genetic diseases. Last evaluated: 2014-09-30. Review status: criteria provided, single submitter. Criteria: Ambry Variant Classification Scheme 2023. Collection method: clinical testing. Allele origin: germline.

PreventionGenetics, part of Exact Sciences
Classification: Benign for CASK-related condition. Last evaluated: 2019-07-18. Review status: no assertion criteria provided. Collection method: clinical testing. Allele origin: germline. Not counted in ClinVar's aggregate classification.
Comment: This variant is classified as benign based on ACMG/AMP sequence variant interpretation guidelines (Richards et al. 2015 PMID: 25741868, with internal and published modifications).